The following is an entry in ClinVar:

NM_002602.4(PDE6G):c.97C>T (p.Arg33Ter)

Gene: PDE6G (phosphodiesterase 6G; minus strand). Cytogenetic location: 17q25.3.
Variant type: single nucleotide variant.
Coding change: c.97C>T on transcript NM_002602.4 (MANE Select); coding-DNA position 97, C replaced by T.
Protein change: p.Arg33Ter; replaces arginine 33 with a stop codon.
Molecular consequence: nonsense.
Genome position (GRCh38, 1-based): chr17:81,653,209, G>A on the plus strand (C>T on the coding strand, the complement: PDE6G is on the minus strand). VCF-style: chr17-81653209-G-A. GRCh37 (hg19) VCF-style: chr17-79620239-G-A.
Other names: c.97C>T, p.Arg33Ter (NM_001365724.1, NM_001365725.1); short protein forms R33*.
Identifiers: ClinVar variation 1943178 (VCV001943178.5), dbSNP rs754454113, ClinGen allele CA8839064.

ClinVar aggregate classification (germline): Pathogenic (1 of 4 stars; one submission).

Allele frequency attached by ClinVar (database versions not stated): ExAC 0.00001; gnomAD 0.00001.
gnomAD v4.1: 10 of 1,613,950 alleles (0.00062%); highest among the groups gnomAD compares: Middle Eastern, 0.016%; no homozygotes.

Submission:

Labcorp Genetics (formerly Invitae), Labcorp
Classification: Pathogenic. Last evaluated: 2025-04-28. Review status: criteria provided, single submitter. Criteria: Invitae Variant Classification Sherloc (09022015). Collection method: clinical testing. Allele origin: germline.
Comment: This sequence change creates a premature translational stop signal (p.Arg33*) in the PDE6G gene. It is expected to result in an absent or disrupted protein product. Loss-of-function variants in PDE6G are known to be pathogenic (PMID: 20655036, 25097241, 30902645). This variant is present in population databases (rs754454113, gnomAD 0.007%). This variant has not been reported in the literature in individuals affected with PDE6G-related conditions. ClinVar contains an entry for this variant (Variation ID: 1943178). For these reasons, this variant has been classified as Pathogenic.

Literature cited by the submitters: PubMed 20655036; PubMed 25097241; PubMed 30902645.